The following is an entry in ClinVar:

NM_001003800.2(BICD2):c.1741C>A (p.Arg581Ser)

Gene: BICD2 (BICD cargo adaptor 2; minus strand). Cytogenetic location: 9q22.31.
Variant type: single nucleotide variant.
Coding change: c.1741C>A on transcript NM_001003800.2 (MANE Select); coding-DNA position 1741, C replaced by A.
Protein change: p.Arg581Ser; replaces arginine 581 with serine.
Molecular consequence: missense variant.
Genome position (GRCh38, 1-based): chr9:92,718,904, G>T on the plus strand (C>A on the coding strand, the complement: BICD2 is on the minus strand). VCF-style: chr9-92718904-G-T. GRCh37 (hg19) VCF-style: chr9-95481186-G-T.
Other names: c.1741C>A, p.Arg581Ser (NM_015250.4); short protein forms R581S.
Identifiers: ClinVar variation 2292638 (VCV002292638.5), dbSNP rs771001231, ClinGen allele CA374036129.

ClinVar aggregate classification (germline): Uncertain significance. Review status: criteria provided, multiple submitters, no conflicts (2 of 4 stars). 3 submissions from 3 submitters: Uncertain significance (3). Last evaluated 2024-09-01.

Conditions:
Inborn genetic diseases. Identifiers: MedGen C0950123, MeSH D030342.
Autosomal dominant childhood-onset proximal spinal muscular atrophy with contractures (SMALED2A). Also called: Spinal muscular atrophy, lower extremity-predominant, 2A, autosomal dominant; SPINAL MUSCULAR ATROPHY, LOWER EXTREMITY-PREDOMINANT, 2A, CHILDHOOD ONSET, AUTOSOMAL DOMINANT. Identifiers: Orphanet 363447, Orphanet 363454, MedGen C4747715, MONDO:0014121, OMIM 615290.

gnomAD v4.1: 1 of 1,598,904 alleles (0.000063%); highest among the groups gnomAD compares: Non-Finnish European, 0.000085%; no homozygotes.

Submissions (3):

Labcorp Genetics (formerly Invitae), Labcorp
Classification: Uncertain significance for Autosomal dominant childhood-onset proximal spinal muscular atrophy with contractures. Last evaluated: 2024-09-01. Review status: criteria provided, single submitter. Criteria: Invitae Variant Classification Sherloc (09022015). Collection method: clinical testing. Allele origin: germline.
Comment: This sequence change replaces arginine, which is basic and polar, with serine, which is neutral and polar, at codon 581 of the BICD2 protein (p.Arg581Ser). This variant is not present in population databases (gnomAD no frequency). This variant has not been reported in the literature in individuals affected with BICD2-related conditions. ClinVar contains an entry for this variant (Variation ID: 2292638). Invitae Evidence Modeling of protein sequence and biophysical properties (such as structural, functional, and spatial information, amino acid conservation, physicochemical variation, residue mobility, and thermodynamic stability) indicates that this missense variant is not expected to disrupt BICD2 protein function with a negative predictive value of 80%. In summary, the available evidence is currently insufficient to determine the role of this variant in disease. Therefore, it has been classified as a Variant of Uncertain Significance.

Ambry Genetics
Classification: Uncertain significance for Inborn genetic diseases. Last evaluated: 2022-05-27. Review status: criteria provided, single submitter. Criteria: Ambry Variant Classification Scheme 2023. Collection method: clinical testing. Allele origin: germline.

Blueprint Genetics
Classification: Uncertain significance. Last evaluated: 2020-04-24. Review status: criteria provided, single submitter. Criteria: ACMG Guidelines, 2015. Collection method: clinical testing. Allele origin: germline.